The following is an entry in ClinVar:

NM_007294.4(BRCA1):c.5419dup (p.Ile1807fs)

Gene: BRCA1 (BRCA1 DNA repair associated; minus strand). Cytogenetic location: 17q21.31.
Variant type: Duplication.
Coding change: c.5419dup on transcript NM_007294.4 (MANE Select); coding-DNA position 5419, one base duplicated (A; older notation c.5419dupA).
Protein change: p.Ile1807fs; shifts the reading frame from isoleucine 1807.
Molecular consequence: frameshift variant. On other transcripts: non-coding transcript variant (1).
Genome position (GRCh38, 1-based): chr17:43,047,691, T duplicated on the plus strand (A on the coding strand, the reverse complement: BRCA1 is on the minus strand); the first of 2 consecutive T bases (chr17:43,047,691-43,047,692); duplicating either gives the same sequence. VCF-style (leftmost placement, unchanged base first): chr17-43047690-A-AT. GRCh37 (hg19) VCF-style: chr17-41199707-A-AT.
Other names: 5538_5539insA; c.5419dup, p.Ile1807fs (NM_007294.3); c.2033dup, p.Asn678fs (NM_007299.4); c.5482dup, p.Ile1828fs (NM_007300.4); c.2106dup, p.Ile703Asnfs (NM_007304.2, NM_001407979.1, NM_001407980.1 and 11 more transcripts); c.5415dup, p.Ile1806Asnfs (NM_001407615.1, NM_001407616.1, NM_001407617.1 and 14 more transcripts); c.5412dup, p.Ile1805Asnfs (NM_001407627.1, NM_001407628.1, NM_001407629.1 and 13 more transcripts); c.5409dup, p.Ile1804Asnfs (NM_001407644.1, NM_001407645.1); and 88 more; short protein forms I1807fs, N678fs, I1760fs, I1828fs, I703fs.
Identifiers: ClinVar variation 266553 (VCV000266553.6), dbSNP rs80357934, ClinGen allele CA10589591.
Genomic context (GRCh38, chr17:43,047,690, plus strand): 5'-GCAGGCACCTTACCATGGAAGCCATTGTCCTCTGTCCAGGCATCTGGCTGCACAACCACA[A>AT]TTGGGTGGACACCCTGGATCCCCAGGAAGGAAAGAGCATTCAAAGTGTCAAAGTAGGACT-3'

ClinVar aggregate classification (germline): Pathogenic. Review status: reviewed by expert panel (3 of 4 stars). 2 submissions from 2 submitters: Pathogenic (1). 1 of the submissions does not count toward it. Last evaluated 2016-10-18.

Conditions:
Breast-ovarian cancer, familial, susceptibility to, 1 (BROVCA1). Also called: BRCA1 Hereditary Breast and Ovarian Cancer; OVARIAN CANCER, SUSCEPTIBILITY TO. Identifiers: Orphanet 145, MedGen C2676676, MONDO:0011450, OMIM 604370. Disease mechanism: loss of function.

Submissions (2):

Evidence-based Network for the Interpretation of Germline Mutant Alleles (ENIGMA)
Classification: Pathogenic for Breast-ovarian cancer, familial, susceptibility to, 1. Last evaluated: 2016-10-18. Review status: reviewed by expert panel. Criteria: ENIGMA BRCA1/2 Classification Criteria (2015). Collection method: curation. Allele origin: germline.
Comment: Variant allele predicted to encode a truncated non-functional protein.

Consortium of Investigators of Modifiers of BRCA1/2 (CIMBA), c/o University of Cambridge
Classification: Pathogenic for Breast-ovarian cancer, familial, susceptibility to, 1. Last evaluated: 2015-10-02. Review status: criteria provided, single submitter. Criteria: CIMBA Mutation Classification guidelines May 2016. Collection method: clinical testing. Allele origin: germline. Not counted in ClinVar's aggregate classification.